The following is an entry in ClinVar:

ClinVar aggregate classification (germline): Uncertain significance (1 of 4 stars; one submission).

Submission:

Labcorp Genetics (formerly Invitae), Labcorp
Classification: Uncertain significance. Last evaluated: 2025-01-06. Review status: criteria provided, single submitter. Criteria: Invitae Variant Classification Sherloc (09022015). Collection method: clinical testing. Allele origin: germline.
Comment: This sequence change replaces tyrosine, which is neutral and polar, with cysteine, which is neutral and slightly polar, at codon 666 of the LARS protein (p.Tyr666Cys). This variant is not present in population databases (gnomAD no frequency). This variant has not been reported in the literature in individuals affected with LARS-related conditions. ClinVar contains an entry for this variant (Variation ID: 2060820). Invitae Evidence Modeling of protein sequence and biophysical properties (such as structural, functional, and spatial information, amino acid conservation, physicochemical variation, residue mobility, and thermodynamic stability) indicates that this missense variant is expected to disrupt LARS protein function with a positive predictive value of 80%. In summary, the available evidence is currently insufficient to determine the role of this variant in disease. Therefore, it has been classified as a Variant of Uncertain Significance.

NM_020117.11(LARS1):c.1997A>G (p.Tyr666Cys)

Gene: LARS1 (leucyl-tRNA synthetase 1; minus strand). Cytogenetic location: 5q32.
Variant type: single nucleotide variant.
Coding change: c.1997A>G on transcript NM_020117.11 (MANE Select); coding-DNA position 1997, A replaced by G.
Protein change: p.Tyr666Cys; replaces tyrosine 666 with cysteine.
Molecular consequence: missense variant.
Genome position (GRCh38, 1-based): chr5:146,142,965, T>C on the plus strand (A>G on the coding strand, the complement: LARS1 is on the minus strand). VCF-style: chr5-146142965-T-C. GRCh37 (hg19) VCF-style: chr5-145522528-T-C.
Other names: c.1859A>G, p.Tyr620Cys (NM_001317964.2); c.1835A>G, p.Tyr612Cys (NM_001317965.2); c.1916A>G, p.Tyr639Cys (NM_016460.4); short protein forms Y620C, Y612C, Y639C, Y666C.
Identifiers: ClinVar variation 2060820 (VCV002060820.4), dbSNP rs2532846344, ClinGen allele CA361608283.
Genomic context (GRCh38, chr5:146,142,965, plus strand): 5'-AGGTAATATGAAAGATGATTTGGAACAAGATCCTTGCCAGAGACGCGAAGATCAACAGGA[T>C]ACCAGAATTCAAACTCCTGCTTTAACTGATCTAATTTTTCCTTTGCAATCTGAGTCTTAG-3'
Protein context (NP_064502.9, residues 656-676): DQLKQEFEFW[Tyr666Cys]PVDLRVSGKD